The following is an entry in ClinVar:

ClinVar aggregate classification (germline): Uncertain significance (1 of 4 stars; one submission).

gnomAD v4.1: 20 of 1,614,078 alleles (0.0012%); highest among the groups gnomAD compares: African/African-American, 0.0067%; no homozygotes.

Submission:

Labcorp Genetics (formerly Invitae), Labcorp
Classification: Uncertain significance. Last evaluated: 2025-07-23. Review status: criteria provided, single submitter. Criteria: Invitae Variant Classification Sherloc (09022015). Collection method: clinical testing. Allele origin: germline.
Comment: This sequence change replaces threonine, which is neutral and polar, with methionine, which is neutral and non-polar, at codon 2151 of the TRRAP protein (p.Thr2151Met). This variant is present in population databases (rs764256768, gnomAD 0.01%). This missense change has been observed in individual(s) with deafness (PMID: 36597107). Invitae Evidence Modeling of protein sequence and biophysical properties (such as structural, functional, and spatial information, amino acid conservation, physicochemical variation, residue mobility, and thermodynamic stability) indicates that this missense variant is not expected to disrupt TRRAP protein function with a negative predictive value of 80%. In summary, the available evidence is currently insufficient to determine the role of this variant in disease. Therefore, it has been classified as a Variant of Uncertain Significance.

Literature cited by the submitters: PubMed 36597107.

NM_001375524.1(TRRAP):c.6527C>T (p.Thr2176Met)

Gene: TRRAP (transformation/transcription domain associated protein; plus strand). Cytogenetic location: 7q22.1.
Variant type: single nucleotide variant.
Coding change: c.6527C>T on transcript NM_001375524.1 (MANE Select); coding-DNA position 6527, C replaced by T.
Protein change: p.Thr2176Met; replaces threonine 2176 with methionine.
Molecular consequence: missense variant.
Genome position (GRCh38, 1-based): chr7:98,961,298, C>T. VCF-style: chr7-98961298-C-T. GRCh37 (hg19) VCF-style: chr7-98558921-C-T.
Other names: c.6506C>T, p.Thr2169Met (NM_001244580.2); c.6452C>T, p.Thr2151Met (NM_003496.4); short protein forms T2151M, T2169M, T2176M.
Identifiers: ClinVar variation 4703221 (VCV004703221.1).